The following is an entry in ClinVar:

NM_001148.6(ANK2):c.6427G>A (p.Glu2143Lys)

Gene: ANK2 (ankyrin 2; plus strand). Cytogenetic location: 4q26.
Variant type: single nucleotide variant.
Coding change: c.6427G>A on transcript NM_001148.6 (MANE Select); coding-DNA position 6427, G replaced by A.
Protein change: p.Glu2143Lys; replaces glutamic acid 2143 with lysine.
Molecular consequence: missense variant. On other transcripts: intron variant (68).
Genome position (GRCh38, 1-based): chr4:113,355,045, G>A. VCF-style: chr4-113355045-G-A. GRCh37 (hg19) VCF-style: chr4-114276201-G-A.
Other names: c.4291+4796G>A (NM_001386187.2); c.4252+4796G>A (NM_001386147.1); c.4270+4796G>A (NM_001386160.1); c.4375+4796G>A (NM_001354254.2); c.4396+4796G>A (NM_001354239.2, NM_001354252.2); c.4297+4796G>A (NM_001354272.2); c.4360+4796G>A (NM_001354244.2, NM_001354256.2, NM_001386161.1); c.4399+4796G>A (NM_001127493.3); and 35 more; short protein forms E2190K, E2182K, E2065K, E2143K, E943K.
Identifiers: ClinVar variation 3539365 (VCV003539365.1).

ClinVar aggregate classification (germline): Uncertain significance (1 of 4 stars; one submission).

Conditions:
Cardiovascular phenotype. Identifiers: MedGen CN230736.

gnomAD v4.1: 2 of 1,613,962 alleles (0.00012%); highest among the groups gnomAD compares: African/African-American, 0.0027%; no homozygotes.

Submission:

Ambry Genetics
Classification: Uncertain significance for Cardiovascular phenotype. Last evaluated: 2024-07-07. Review status: criteria provided, single submitter. Criteria: Ambry Variant Classification Scheme 2023. Collection method: clinical testing. Allele origin: germline.
Comment: The p.E2143K variant (also known as c.6427G>A), located in coding exon 38 of the ANK2 gene, results from a G to A substitution at nucleotide position 6427. The glutamic acid at codon 2143 is replaced by lysine, an amino acid with similar properties. This amino acid position is conserved. In addition, this alteration is predicted to be deleterious by in silico analysis. Based on the available evidence, the clinical significance of this variant remains unclear.